The following is an entry in ClinVar:

NM_194248.3(OTOF):c.3384C>T (p.Pro1128=)

Gene: OTOF (otoferlin; minus strand). Cytogenetic location: 2p23.3.
Variant type: single nucleotide variant.
Coding change: c.3384C>T on transcript NM_194248.3 (MANE Select); coding-DNA position 3384, C replaced by T.
Protein change: p.Pro1128=; no amino-acid change (proline 1128 retained).
Molecular consequence: synonymous variant.
Genome position (GRCh38, 1-based): chr2:26,474,015, G>A on the plus strand (C>T on the coding strand, the complement: OTOF is on the minus strand). VCF-style: chr2-26474015-G-A. GRCh37 (hg19) VCF-style: chr2-26696883-G-A.
Other names: c.3384C>T, p.Pro1128= (NM_001287489.2); c.1143C>T, p.Pro381= (NM_004802.4, NM_194323.3); c.1314C>T, p.Pro438= (NM_194322.3).
Identifiers: ClinVar variation 227755 (VCV000227755.17), dbSNP rs145151677, ClinGen allele CA1563573.

ClinVar aggregate classification (germline): Benign/Likely benign. Review status: criteria provided, multiple submitters, no conflicts (2 of 4 stars). 5 submissions from 5 submitters: Benign (1); Likely benign (3). 1 of the submissions does not count toward it. Last evaluated 2026-01-05.

Conditions:
OTOF-related disorder. Also called: OTOF-related condition.

Allele frequency attached by ClinVar (database versions not stated): ExAC 0.00027; 1000 Genomes Project 0.00060; 1000 Genomes Project 30x 0.00062; gnomAD 0.00093; TOPMed 0.00099; ESP Exome Variant Server 0.00131.
gnomAD v4.1: 266 of 1,612,998 alleles (0.016%); highest among the groups gnomAD compares: African/African-American, 0.32%; 2 homozygotes.

Submissions (5):

Labcorp Genetics (formerly Invitae), Labcorp
Classification: Benign. Last evaluated: 2026-01-05. Review status: criteria provided, single submitter. Criteria: Invitae Variant Classification Sherloc (09022015). Collection method: clinical testing. Allele origin: germline.

Blueprint Genetics
Classification: Likely benign. Last evaluated: 2024-09-25. Review status: criteria provided, single submitter. Criteria: ACMG Guidelines, 2015. Collection method: clinical testing. Allele origin: germline.

GeneDx
Classification: Likely benign. Last evaluated: 2020-09-29. Review status: criteria provided, single submitter. Criteria: GeneDx Variant Classification Process June 2021. Collection method: clinical testing. Allele origin: germline. Affected: yes.

Laboratory for Molecular Medicine, Mass General Brigham Personalized Medicine
Classification: Likely benign. Last evaluated: 2016-02-09. Review status: criteria provided, single submitter. Criteria: LMM Criteria. Collection method: clinical testing. Allele origin: germline. Observed: 1 variant allele.
Comment: p.Pro1128Pro in exon 27 of OTOF: This variant is not expected to have clinical s ignificance because it does not alter an amino acid residue, is not located with in the splice consensus sequence, and has been identified in 0.3% (30/10234) of African chromosomes by the Exome Aggregation Consortium (ExAC; dbSNP rs145151677).

PreventionGenetics, part of Exact Sciences
Classification: Likely benign for OTOF-related condition. Last evaluated: 2019-11-20. Review status: no assertion criteria provided. Collection method: clinical testing. Allele origin: germline. Not counted in ClinVar's aggregate classification.
Comment: This variant is classified as likely benign based on ACMG/AMP sequence variant interpretation guidelines (Richards et al. 2015 PMID: 25741868, with internal and published modifications).